The following is an entry in ClinVar:

ClinVar aggregate classification (germline): Likely benign. Review status: criteria provided, multiple submitters, no conflicts (2 of 4 stars). 7 submissions from 7 submitters: Likely benign (6). 1 of the submissions does not count toward it. Last evaluated 2026-07-01.

Conditions:
Cardiovascular phenotype. Identifiers: MedGen CN230736.
Distal myopathy with posterior leg and anterior hand involvement. Also called: WILLIAMS DISTAL MYOPATHY. Identifiers: Orphanet 63273, MedGen C3279722, MONDO:0013550, OMIM 614065.
Myofibrillar myopathy 5. Also called: Filaminopathy (type); FILAMINOPATHY, AUTOSOMAL DOMINANT. Identifiers: Orphanet 171445, MedGen C1836050, MONDO:0012289, OMIM 609524.
Hypertrophic cardiomyopathy 26. Also called: Cardiomyopathy, familial hypertrophic, 26. Identifiers: Orphanet 75249, MedGen C4310749, MONDO:0014883, OMIM 617047.
FLNC-related disorder. Also called: FLNC-related disorders; FLNC-related condition.

Allele frequency attached by ClinVar (database versions not stated): gnomAD 0.00001; gnomAD exomes 0.00001 and 0.00002; ExAC 0.00002; TOPMed 0.00003; ESP Exome Variant Server 0.00023.
gnomAD v4.1: 19 of 1,613,912 alleles (0.0012%); highest among the groups gnomAD compares: Admixed American, 0.0017%; no homozygotes.

Submissions (7):

CeGaT Center for Human Genetics Tuebingen
Classification: Likely benign. Last evaluated: 2026-07-01. Review status: criteria provided, single submitter. Criteria: CeGaT Center For Human Genetics Tuebingen Variant Classification Criteria Version 2. Collection method: clinical testing. Allele origin: germline. Affected: yes. Observed: 3 variant alleles.
Comment: FLNC: BP4, BP7

Labcorp Genetics (formerly Invitae), Labcorp
Classification: Likely benign for Distal myopathy with posterior leg and anterior hand involvement; Myofibrillar myopathy 5; Hypertrophic cardiomyopathy 26. Last evaluated: 2026-02-03. Review status: criteria provided, single submitter. Criteria: Invitae Variant Classification Sherloc (09022015). Collection method: clinical testing. Allele origin: germline.

Women's Health and Genetics/Laboratory Corporation of America, LabCorp
Classification: Likely benign. Last evaluated: 2025-07-05. Review status: criteria provided, single submitter. Criteria: LabCorp Variant Classification Summary - May 2015. Collection method: clinical testing. Allele origin: germline.

Blueprint Genetics
Classification: Likely benign. Last evaluated: 2023-08-31. Review status: criteria provided, single submitter. Criteria: ACMG Guidelines, 2015. Collection method: clinical testing. Allele origin: germline.

Ambry Genetics
Classification: Likely benign for Cardiovascular phenotype. Last evaluated: 2021-06-25. Review status: criteria provided, single submitter. Criteria: Ambry Variant Classification Scheme 2023. Collection method: clinical testing. Allele origin: germline.

GeneDx
Classification: Likely benign. Last evaluated: 2019-03-20. Review status: criteria provided, single submitter. Criteria: GeneDx Variant Classification Process June 2021. Collection method: clinical testing. Allele origin: germline. Affected: yes.

PreventionGenetics, part of Exact Sciences
Classification: Likely benign for FLNC-related condition. Last evaluated: 2020-11-14. Review status: no assertion criteria provided. Collection method: clinical testing. Allele origin: germline. Not counted in ClinVar's aggregate classification.
Comment: This variant is classified as likely benign based on ACMG/AMP sequence variant interpretation guidelines (Richards et al. 2015 PMID: 25741868, with internal and published modifications).

NM_001458.5(FLNC):c.5787C>T (p.Ile1929=)

Genes: FLNC (filamin C; plus strand), FLNC-AS1 (FLNC antisense RNA 1; minus strand). Cytogenetic location: 7q32.1.
Variant type: single nucleotide variant.
Coding change: c.5787C>T on transcript NM_001458.5 (MANE Select); coding-DNA position 5787, C replaced by T.
Protein change: p.Ile1929=; no amino-acid change (isoleucine 1929 retained).
Molecular consequence: synonymous variant.
Genome position (GRCh38, 1-based): chr7:128,851,573, C>T. VCF-style: chr7-128851573-C-T. GRCh37 (hg19) VCF-style: chr7-128491627-C-T.
Other names: c.5688C>T, p.Ile1896= (NM_001127487.2).
Identifiers: ClinVar variation 513333 (VCV000513333.29), dbSNP rs377063332, ClinGen allele CA4475782.
Genomic context (GRCh38, chr7:128,851,573, plus strand): 5'-CAAGGATGGCACCTGCACCGTGTCCTATCTGCCGACTGCGCCTGGAGACTACAGCATCAT[C>T]GTGCGCTTCGATGACAAGCACATCCCGGGGAGCCCCTTCACAGCCAAGATCACAGGTGAG-3'
Protein context (NP_001449.3, residues 1919-1939): LPTAPGDYSI[Ile1929=]VRFDDKHIPG